The following is an entry in ClinVar:

ClinVar aggregate classification (germline): Benign/Likely benign. Review status: criteria provided, multiple submitters, no conflicts (2 of 4 stars). 7 submissions from 7 submitters: Benign (5); Likely benign (2). Last evaluated 2026-07-01.

Conditions:
Inborn genetic diseases. Identifiers: MedGen C0950123, MeSH D030342.
CHARGE syndrome (CHARGE). Also called: CHARGE ASSOCIATION--COLOBOMA, HEART ANOMALY, CHOANAL ATRESIA, RETARDATION, GENITAL AND EAR ANOMALIES; Hittner Hirsch Kreh syndrome; Coloboma, heart anomaly, choanal atresia, retardation, genital and ear anomalies; CHARGE association; Hall-Hittner syndrome. Identifiers: Orphanet 138, MedGen C0265354, MONDO:0008965.

Allele frequency attached by ClinVar (database versions not stated): gnomAD exomes 0.00042 and 0.00016; 1000 Genomes Project 30x 0.00203; ExAC 0.00059; gnomAD 0.00170 and 0.00187; TOPMed 0.00198; ESP Exome Variant Server 0.00203; 1000 Genomes Project 0.00180.
gnomAD v4.1: 503 of 1,611,926 alleles (0.031%); highest among the groups gnomAD compares: African/African-American, 0.58%; 2 homozygotes.

Submissions (7):

CeGaT Center for Human Genetics Tuebingen
Classification: Likely benign. Last evaluated: 2026-07-01. Review status: criteria provided, single submitter. Criteria: CeGaT Center For Human Genetics Tuebingen Variant Classification Criteria Version 2. Collection method: clinical testing. Allele origin: germline. Affected: yes. Observed: 4 variant alleles.
Comment: CHD7: BP4, BP7, BS1

Labcorp Genetics (formerly Invitae), Labcorp
Classification: Benign for CHARGE syndrome. Last evaluated: 2026-02-01. Review status: criteria provided, single submitter. Criteria: Invitae Variant Classification Sherloc (09022015). Collection method: clinical testing. Allele origin: germline.

Blueprint Genetics
Classification: Likely benign. Last evaluated: 2024-11-19. Review status: criteria provided, single submitter. Criteria: ACMG Guidelines, 2015. Collection method: clinical testing. Allele origin: germline.

GeneDx
Classification: Benign. Last evaluated: 2019-12-24. Review status: criteria provided, single submitter. Criteria: GeneDx Variant Classification Process June 2021. Collection method: clinical testing. Allele origin: germline. Affected: yes.

Laboratory for Molecular Medicine, Mass General Brigham Personalized Medicine
Classification: Benign. Last evaluated: 2017-08-23. Review status: criteria provided, single submitter. Criteria: LMM Criteria. Collection method: clinical testing. Allele origin: germline. Observed: 3 variant alleles.
Comment: p.Gly2813Gly in exon 38 of CHD7: This variant is not expected to have clinical s ignificance because it does not alter an amino acid residue, is not located with in the splice consensus sequence, and has been identified in 0.70% (57/8150) of African chromosomes by the Exome Aggregation Consortium (ExAC; dbSNP rs201132710).

Ambry Genetics
Classification: Benign for Inborn genetic diseases. Last evaluated: 2017-05-25. Review status: criteria provided, single submitter. Criteria: Ambry Variant Classification Scheme 2023. Collection method: clinical testing. Allele origin: germline.

Eurofins Ntd Llc (ga)
Classification: Benign. Last evaluated: 2013-05-28. Review status: criteria provided, single submitter. Criteria: EGL Classification Definitions 2015. Collection method: clinical testing. Allele origin: germline. Observed: 1 variant allele, 1 heterozygote.

NM_017780.4(CHD7):c.8439C>T (p.Gly2813=)

Gene: CHD7 (chromodomain helicase DNA binding protein 7; plus strand). Cytogenetic location: 8q12.2.
Variant type: single nucleotide variant.
Coding change: c.8439C>T on transcript NM_017780.4 (MANE Select); coding-DNA position 8439, C replaced by T.
Protein change: p.Gly2813=; no amino-acid change (glycine 2813 retained).
Molecular consequence: synonymous variant.
Genome position (GRCh38, 1-based): chr8:60,865,378, C>T. VCF-style: chr8-60865378-C-T. GRCh37 (hg19) VCF-style: chr8-61777937-C-T.
Other names: c.2292C>T, p.Gly764= (NM_001316690.1).
Identifiers: ClinVar variation 95815 (VCV000095815.47), dbSNP rs201132710, ClinGen allele CA148891.